The following is an entry in ClinVar:

NM_001378615.1(CC2D2A):c.2181+6C>T

Genes: CC2D2A (coiled-coil and C2 domain containing 2A; plus strand), FBXL5 (F-box and leucine rich repeat protein 5; minus strand). Cytogenetic location: 4p15.32.
Variant type: single nucleotide variant.
Coding change: c.2181+6C>T on transcript NM_001378615.1 (MANE Select); 6 bases into the intron after coding-DNA position 2181, C replaced by T.
Molecular consequence: intron variant.
Genome position (GRCh38, 1-based): chr4:15,541,020, C>T. VCF-style: chr4-15541020-C-T. GRCh37 (hg19) VCF-style: chr4-15542643-C-T.
Other names: c.2181+6C>T (NM_001080522.2); c.2034+6C>T (NM_001378617.1).
Identifiers: ClinVar variation 1004424 (VCV001004424.7), dbSNP rs997637353, ClinGen allele CA92534136.

ClinVar aggregate classification (germline): Conflicting classifications of pathogenicity. Review status: criteria provided, conflicting classifications (1 of 4 stars). 3 submissions from 3 submitters: Uncertain significance (2); Likely benign (1). Last evaluated 2025-03-17.

Conditions:
COACH syndrome 2. Identifiers: MedGen C5436837, MONDO:0030859, OMIM 619111.
Meckel syndrome, type 6. Identifiers: Orphanet 564, MedGen C2676790, MONDO:0012848, OMIM 612284.
Joubert syndrome 9 (JBTS9). Identifiers: Orphanet 2318, MedGen C2676788, MONDO:0012849, OMIM 612285.
Retinitis pigmentosa 93. Identifiers: MedGen C5676970, MONDO:0030797, OMIM 619845.
Joubert syndrome. Also called: JOUBERT-BOLTSHAUSER SYNDROME; Familial aplasia of the vermis. Identifiers: Orphanet 475, MedGen C5979921, MONDO:0018772.
Meckel-Gruber syndrome. Also called: Dysencephalia splachnocystica; DYSENCEPHALIA SPLANCHNOCYSTICA; GRUBER SYNDROME. Identifiers: Orphanet 564, MedGen C0265215, MONDO:0018921.

Allele frequency attached by ClinVar (database versions not stated): gnomAD exomes below 0.00001 and 0.00001; TOPMed 0.00003; gnomAD 0.00004.
gnomAD v4.1: 7 of 1,530,906 alleles (0.00046%); highest among the groups gnomAD compares: African/African-American, 0.0097%; no homozygotes.

Submissions (3):

Labcorp Genetics (formerly Invitae), Labcorp
Classification: Uncertain significance for Joubert syndrome; Meckel-Gruber syndrome. Last evaluated: 2025-03-17. Review status: criteria provided, single submitter. Criteria: Invitae Variant Classification Sherloc (09022015). Collection method: clinical testing. Allele origin: germline.
Comment: This sequence change falls in intron 18 of the CC2D2A gene. It does not directly change the encoded amino acid sequence of the CC2D2A protein. It affects a nucleotide within the consensus splice site. The frequency data for this variant in the population databases is considered unreliable, as metrics indicate poor data quality at this position in the gnomAD database. This variant has not been reported in the literature in individuals affected with CC2D2A-related conditions. ClinVar contains an entry for this variant (Variation ID: 1004424). Variants that disrupt the consensus splice site are a relatively common cause of aberrant splicing (PMID: 17576681, 9536098). Algorithms developed to predict the effect of sequence changes on RNA splicing suggest that this variant is not likely to affect RNA splicing. In summary, the available evidence is currently insufficient to determine the role of this variant in disease. Therefore, it has been classified as a Variant of Uncertain Significance.

Blueprint Genetics
Classification: Likely benign. Last evaluated: 2024-11-14. Review status: criteria provided, single submitter. Criteria: ACMG Guidelines, 2015. Collection method: clinical testing. Allele origin: germline.

Fulgent Genetics
Classification: Uncertain significance for Meckel syndrome, type 6; Joubert syndrome 9; COACH syndrome 2; Retinitis pigmentosa 93. Last evaluated: 2024-02-07. Review status: criteria provided, single submitter. Criteria: ACMG Guidelines, 2015. Collection method: clinical testing. Allele origin: germline.

Literature cited by the submitters: PubMed 17576681 (cited by Labcorp Genetics (formerly Invitae), Labcorp); PubMed 9536098 (cited by Labcorp Genetics (formerly Invitae), Labcorp).